The following is an entry in ClinVar:

NM_012210.4(TRIM32):c.*512A>T

Genes: ASTN2 (astrotactin 2; minus strand), TRIM32 (tripartite motif containing 32; plus strand). Cytogenetic location: 9q33.1.
Variant type: single nucleotide variant.
Coding change: c.*512A>T on transcript NM_012210.4 (MANE Select); 512 bases downstream of the stop codon, A replaced by T.
Molecular consequence: 3 prime UTR variant. On other transcripts: intron variant (3).
Genome position (GRCh38, 1-based): chr9:116,700,216, A>T. VCF-style: chr9-116700216-A-T. GRCh37 (hg19) VCF-style: chr9-119462495-A-T.
Other names: NC_000009.11:g.119462495A>T; c.*512A>T (NM_001099679.2, NM_001379048.1, NM_001379049.1 and 1 more transcripts); c.2653+25555T>A (NM_014010.5); c.2794+25555T>A (NM_001365069.1); c.2806+25555T>A (NM_001365068.1).
Identifiers: ClinVar variation 364728 (VCV000364728.30), dbSNP rs144172952, ClinGen allele CA10626291.

ClinVar aggregate classification (germline): Conflicting classifications of pathogenicity. Review status: criteria provided, conflicting classifications (1 of 4 stars). 3 submissions from 2 submitters: Uncertain significance (2); Likely benign (1). Last evaluated 2023-04-01.

Conditions:
Sarcotubular myopathy (LGMDR8). Also called: MUSCULAR DYSTROPHY, LIMB-GIRDLE, AUTOSOMAL RECESSIVE 8; Autosomal recessive limb-girdle muscular dystrophy type 2H; Hutterite type of muscular dystrophy; Limb-girdle muscular dystrophy, type 2H. Identifiers: Orphanet 1878, MedGen C0270968, MONDO:0009683, OMIM 254110.
Bardet-Biedl syndrome 11 (BBS11). Identifiers: Orphanet 110, MedGen C1859569, MONDO:0014439, OMIM 615988.

Allele frequency attached by ClinVar (database versions not stated): 1000 Genomes Project 30x 0.00016; 1000 Genomes Project 0.00020; gnomAD exomes 0.00068; gnomAD 0.00159 and 0.00160; TOPMed 0.00167.
gnomAD v4.1: 272 of 194,988 alleles (0.14%); highest among the groups gnomAD compares: Non-Finnish European, 0.068%; 3 homozygotes.

Submissions (5):

CeGaT Center for Human Genetics Tuebingen
Classification: Likely benign. Last evaluated: 2023-04-01. Review status: criteria provided, single submitter. Criteria: CeGaT Center For Human Genetics Tuebingen Variant Classification Criteria Version 2. Collection method: clinical testing. Allele origin: germline. Affected: yes. Observed: 1 variant allele.
Comment: ASTN2: BS1

Illumina Laboratory Services, Illumina
Classification: Uncertain significance for Sarcotubular myopathy. Last evaluated: 2018-01-13. Review status: criteria provided, single submitter. Criteria: ICSL Variant Classification Criteria 13 December 2019. Collection method: clinical testing. Allele origin: germline.

Illumina Laboratory Services, Illumina
Classification: Uncertain significance for Bardet-Biedl syndrome 11. Last evaluated: 2018-01-13. Review status: criteria provided, single submitter. Criteria: ICSL Variant Classification Criteria 13 December 2019. Collection method: clinical testing. Allele origin: germline.

Dr. Peter K. Rogan Lab, Western University
No classification provided (evidence only). Condition: Sarcoma. Review status: no classification provided. Collection method: in vitro. Allele origin: not applicable. Functional consequence: retained intron. Not counted in ClinVar's aggregate classification.

Dr. Peter K. Rogan Lab, Western University
No classification provided (evidence only). Condition: Ovarian serous cystadenocarcinoma. Review status: no classification provided. Collection method: in vitro. Allele origin: not applicable. Functional consequence: retained intron. Not counted in ClinVar's aggregate classification.